The following is an entry in ClinVar:

ClinVar aggregate classification (germline): Uncertain significance (1 of 4 stars; one submission).

Conditions:
Hereditary nonpolyposis colorectal neoplasms. Identifiers: MedGen C0009405, MeSH D003123.

Allele frequency attached by ClinVar (database versions not stated): gnomAD exomes below 0.00001.

Submission:

Labcorp Genetics (formerly Invitae), Labcorp
Classification: Uncertain significance for Hereditary nonpolyposis colorectal neoplasms. Last evaluated: 2020-11-11. Review status: criteria provided, single submitter. Criteria: Invitae Variant Classification Sherloc (09022015). Collection method: clinical testing. Allele origin: germline.
Comment: Experimental studies and prediction algorithms are not available for this variant, and the functional significance of the duplicated amino acids is currently unknown. This variant has not been reported in the literature in individuals with MSH6-related disease. This variant is not present in population databases (ExAC no frequency). This variant, c.3847_3858dupATTACGTTCCTC, results in the insertion of 4 amino acids to the MSH6 protein (p.Ile1283_Leu1286dup), but otherwise preserves the integrity of the reading frame. In summary, the available evidence is currently insufficient to determine the role of this variant in disease. Therefore, it has been classified as a Variant of Uncertain Significance.

NM_000179.3(MSH6):c.3847_3858dup (p.Ile1283_Leu1286dup)

Gene: MSH6 (mutS homolog 6; plus strand). Cytogenetic location: 2p16.3.
Variant type: Duplication.
Coding change: c.3847_3858dup on transcript NM_000179.3 (MANE Select); coding-DNA positions 3847 to 3858, 12 bases duplicated (ATTACGTTCCTC).
Protein change: p.Ile1283_Leu1286dup.
Molecular consequence: inframe insertion.
Genome position (GRCh38, 1-based): chr2:47,806,497-47,806,508, ATTACGTTCCTC duplicated. VCF-style (leftmost placement, unchanged base first): chr2-47806496-T-TATTACGTTCCTC. GRCh37 (hg19) VCF-style: chr2-48033635-T-TATTACGTTCCTC.
Other names: c.3457_3468dup, p.Ile1153_Leu1156dup (NM_001281492.2); c.2941_2952dup, p.Ile981_Leu984dup (NM_001281493.2, NM_001281494.2).
Identifiers: ClinVar variation 1050945 (VCV001050945.9), dbSNP rs1553333410, ClinGen allele CA532705514.
Genomic context (GRCh38, chr2:47,806,496, plus strand): 5'-ATTTTTCTTTCTTAAGGCATGCATGGTAGAAAATGAATGTGAAGACCCCAGCCAGGAGAC[T>TATTACGTTCCTC]ATTACGTTCCTCTATAAATTCATTAAGGGAGCTTGTCCTAAAAGCTATGGCTTTAATGCA-3'